The following is an entry in ClinVar:

NM_001042492.3(NF1):c.8161-2A>T

Gene: NF1 (neurofibromin 1; plus strand). Cytogenetic location: 17q11.2.
Variant type: single nucleotide variant.
Coding change: c.8161-2A>T on transcript NM_001042492.3 (MANE Select); the canonical splice acceptor site of the intron before coding-DNA position 8161, A replaced by T.
Molecular consequence: splice acceptor variant.
Genome position (GRCh38, 1-based): chr17:31,360,485, A>T. VCF-style: chr17-31360485-A-T. GRCh37 (hg19) VCF-style: chr17-29687503-A-T.
Other names: c.8098-2A>T (NM_000267.4).
Identifiers: ClinVar variation 835670 (VCV000835670.7), dbSNP rs1344104003, ClinGen allele CA399204327.
Genomic context (GRCh38, chr17:31,360,485, plus strand): 5'-GCTTCAGATGGGGATTTACTTAAAAAAAAGGAACTAAAATAATTTCCTATTTTCCATTAC[A>T]GCAAACACAAATTCCAGACTATGCTGAGCTTATTGTTAAGTTTCTTGATGCCTTGATTGA-3'

ClinVar aggregate classification (germline): Pathogenic (1 of 4 stars; one submission).

Conditions:
Neurofibromatosis, type 1 (NF1). Also called: Peripheral type neurofibromatosis; Neurofibromatosis, type I; VON RECKLINGHAUSEN DISEASE; NEUROFIBROMATOSIS, TYPE I, SOMATIC. Identifiers: Orphanet 636, MedGen C0027831, MONDO:0018975, OMIM 162200. Disease mechanism: loss of function.

Submission:

Labcorp Genetics (formerly Invitae), Labcorp
Classification: Pathogenic for Neurofibromatosis, type 1. Last evaluated: 2019-02-22. Review status: criteria provided, single submitter. Criteria: Invitae Variant Classification Sherloc (09022015). Collection method: clinical testing. Allele origin: germline.
Comment: Donor and acceptor splice site variants typically lead to a loss of protein function (PMID: 16199547), and loss-of-function variants in NF1 are known to be pathogenic (PMID: 10712197, 23913538). For these reasons, this variant has been classified as Pathogenic. Experimental studies have shown that this variant disrupts mRNA splicing (PMID: 23913538). This variant has been observed in an individual affected with neurofibromatosis type 1 (PMID: 23913538). This variant is not present in population databases (ExAC no frequency). This sequence change affects an acceptor splice site in intron 55 of the NF1 gene. It is expected to disrupt RNA splicing and likely results in an absent or disrupted protein product.

Literature cited by the submitters: PubMed 16199547; PubMed 10712197; PubMed 23913538.